The following is an entry in ClinVar:

ClinVar aggregate classification (germline): Uncertain significance (1 of 4 stars; one submission).

Conditions:
Spastic paraplegia. Identifiers: MedGen C0037772, HP:0001258.

Submission:

Labcorp Genetics (formerly Invitae), Labcorp
Classification: Uncertain significance for Spastic paraplegia. Last evaluated: 2024-05-14. Review status: criteria provided, single submitter. Criteria: Invitae Variant Classification Sherloc (09022015). Collection method: clinical testing. Allele origin: germline.
Comment: This sequence change replaces leucine, which is neutral and non-polar, with valine, which is neutral and non-polar, at codon 105 of the KIF5A protein (p.Leu105Val). This variant is not present in population databases (gnomAD no frequency). This variant has not been reported in the literature in individuals affected with KIF5A-related conditions. Advanced modeling of protein sequence and biophysical properties (such as structural, functional, and spatial information, amino acid conservation, physicochemical variation, residue mobility, and thermodynamic stability) has been performed at Invitae for this missense variant, however the output from this modeling did not meet the statistical confidence thresholds required to predict the impact of this variant on KIF5A protein function. In summary, the available evidence is currently insufficient to determine the role of this variant in disease. Therefore, it has been classified as a Variant of Uncertain Significance.

NM_004984.4(KIF5A):c.313C>G (p.Leu105Val)

Gene: KIF5A (kinesin family member 5A; plus strand). Cytogenetic location: 12q13.3.
Variant type: single nucleotide variant.
Coding change: c.313C>G on transcript NM_004984.4 (MANE Select); coding-DNA position 313, C replaced by G.
Protein change: p.Leu105Val; replaces leucine 105 with valine.
Molecular consequence: missense variant. On other transcripts: intron variant (1).
Genome position (GRCh38, 1-based): chr12:57,564,129, C>G. VCF-style: chr12-57564129-C-G. GRCh37 (hg19) VCF-style: chr12-57957912-C-G.
Other names: c.130-331C>G (NM_001354705.2); short protein forms L105V.
Identifiers: ClinVar variation 3667781 (VCV003667781.2).